The following is an entry in ClinVar:

ClinVar aggregate classification (germline): Pathogenic. Review status: criteria provided, multiple submitters, no conflicts (2 of 4 stars). 2 submissions from 2 submitters: Pathogenic (2). Last evaluated 2024-03-01.

Conditions:
Multiple sulfatase deficiency (MSD). Also called: Multiple Sulfatase Deficiency Disease; Sulfatidosis, Juvenile, Austin Type; Mucosulfatidosis. Identifiers: Orphanet 585, MedGen C0268263, MONDO:0010088, OMIM 272200.

Submissions (2):

Natera, Inc.
Classification: Pathogenic for Multiple sulfatase deficiency. Last evaluated: 2024-03-01. Review status: criteria provided, single submitter. Criteria: Natera Variant Classification Schema (03/2026). Collection method: clinical testing. Allele origin: germline.
Comment: The c.603-1G>C variant in SUMF1 is a canonical splice acceptor site variant predicted to affect pre-mRNA splicing, which may result in an abnormal transcript and altered protein product. This variant is expected to result in nonsense mediated decay, truncation, or a dysfunctional protein product. This variant is rare in the general population with a frequency below the threshold expected for the associated phenotype(s). Another variant at this same site results in an alteration predicted to cause a similar molecular effect has been observed in individual(s) with the associated phenotype. Given the available evidence, this variant is classified as Pathogenic.

Labcorp Genetics (formerly Invitae), Labcorp
Classification: Pathogenic for Multiple sulfatase deficiency. Last evaluated: 2023-03-22. Review status: criteria provided, single submitter. Criteria: Invitae Variant Classification Sherloc (09022015). Collection method: clinical testing. Allele origin: germline.
Comment: This sequence change affects an acceptor splice site in intron 4 of the SUMF1 gene. It is expected to disrupt RNA splicing. Variants that disrupt the donor or acceptor splice site typically lead to a loss of protein function (PMID: 16199547), and loss-of-function variants in SUMF1 are known to be pathogenic (PMID: 12757705, 12757706, 25885655). This variant is not present in population databases (gnomAD no frequency). Disruption of this splice site has been observed in individuals with multiple sulfatase deficiency (PMID: 12757706, 22106832). ClinVar contains an entry for this variant (Variation ID: 1067600). Algorithms developed to predict the effect of sequence changes on RNA splicing suggest that this variant may disrupt the consensus splice site. For these reasons, this variant has been classified as Pathogenic.

Literature cited by the submitters: PubMed 16199547 (cited by Labcorp Genetics (formerly Invitae), Labcorp); PubMed 12757705 (cited by Labcorp Genetics (formerly Invitae), Labcorp); PubMed 12757706 (cited by Labcorp Genetics (formerly Invitae), Labcorp); PubMed 25885655 (cited by Labcorp Genetics (formerly Invitae), Labcorp); PubMed 22106832 (cited by Labcorp Genetics (formerly Invitae), Labcorp).

NM_182760.4(SUMF1):c.603-1G>C

Gene: SUMF1 (sulfatase modifying factor 1; minus strand). Cytogenetic location: 3p26.1.
Variant type: single nucleotide variant.
Coding change: c.603-1G>C on transcript NM_182760.4 (MANE Select); the canonical splice acceptor site of the intron before coding-DNA position 603, G replaced by C.
Molecular consequence: splice acceptor variant.
Genome position (GRCh38, 1-based): chr3:4,418,133, C>G on the plus strand (G>C on the coding strand, the complement: SUMF1 is on the minus strand). VCF-style: chr3-4418133-C-G. GRCh37 (hg19) VCF-style: chr3-4459817-C-G.
Other names: c.603-1G>C (NM_182760.3, NM_001164675.2); c.528-1G>C (NM_001164674.2).
Identifiers: ClinVar variation 1067600 (VCV001067600.6), dbSNP rs2125035926, ClinGen allele CA351632810.
Genomic context (GRCh38, chr3:4,418,133, plus strand): 5'-GCCCAAGTGCAGTAGGCAACCGCATCATTCCAGGACACATGGAGAACTGGATGATCCGGC[C>G]TGGGGAAGAGCAAAAGTAGAATGAAAAGTGACACCAATCAGAACAAGAAGCAGGAGCTGG-3'